The following is an entry in ClinVar:

ClinVar aggregate classification (germline): Uncertain significance. Review status: criteria provided, multiple submitters, no conflicts (2 of 4 stars). 2 submissions from 2 submitters: Uncertain significance (2). Last evaluated 2024-01-19.

Conditions:
Inborn genetic diseases. Identifiers: MedGen C0950123, MeSH D030342.

Allele frequency attached by ClinVar (database versions not stated): gnomAD exomes 0.00001; gnomAD 0.00003; TOPMed 0.00003.
gnomAD v4.1: 15 of 1,613,928 alleles (0.00093%); highest among the groups gnomAD compares: Admixed American, 0.015%; no homozygotes.

Submissions (2):

Ambry Genetics
Classification: Uncertain significance for Inborn genetic diseases. Last evaluated: 2024-01-19. Review status: criteria provided, single submitter. Criteria: Ambry Variant Classification Scheme 2023. Collection method: clinical testing. Allele origin: germline.

Labcorp Genetics (formerly Invitae), Labcorp
Classification: Uncertain significance. Last evaluated: 2022-04-12. Review status: criteria provided, single submitter. Criteria: Invitae Variant Classification Sherloc (09022015). Collection method: clinical testing. Allele origin: germline.
Comment: In summary, the available evidence is currently insufficient to determine the role of this variant in disease. Therefore, it has been classified as a Variant of Uncertain Significance. Algorithms developed to predict the effect of missense changes on protein structure and function output the following: SIFT: "Tolerated"; PolyPhen-2: "Benign"; Align-GVGD: "Class C0". The threonine amino acid residue is found in multiple mammalian species, which suggests that this missense change does not adversely affect protein function. This variant has not been reported in the literature in individuals affected with SPEG-related conditions. This variant is present in population databases (no rsID available, gnomAD 0.003%). This sequence change replaces alanine, which is neutral and non-polar, with threonine, which is neutral and polar, at codon 1249 of the SPEG protein (p.Ala1249Thr).

NM_005876.5(SPEG):c.3745G>A (p.Ala1249Thr)

Gene: SPEG (striated muscle enriched protein kinase; plus strand). Cytogenetic location: 2q35.
Variant type: single nucleotide variant.
Coding change: c.3745G>A on transcript NM_005876.5 (MANE Select); coding-DNA position 3745, G replaced by A.
Protein change: p.Ala1249Thr; replaces alanine 1249 with threonine.
Molecular consequence: missense variant.
Genome position (GRCh38, 1-based): chr2:219,471,897, G>A. VCF-style: chr2-219471897-G-A. GRCh37 (hg19) VCF-style: chr2-220336619-G-A.
Other names: c.3745G>A (NM_005876.4); short protein forms A1249T.
Identifiers: ClinVar variation 2417529 (VCV002417529.5), dbSNP rs1254718573, ClinGen allele CA350751199.